The following is an entry in ClinVar:

ClinVar aggregate classification (germline): Benign (0 of 4 stars; one submission).

Conditions:
ANKK1-related disorder. Also called: ANKK1-related condition.

Allele frequency attached by ClinVar (database versions not stated): 1000 Genomes Project 0.24501; 1000 Genomes Project 30x 0.24781; TOPMed 0.34741; gnomAD 0.36438; ESP Exome Variant Server 0.39192; gnomAD exomes 0.46827.
gnomAD v4.1: 730,341 of 1,596,064 alleles (46%); highest among the groups gnomAD compares: Non-Finnish European, 51%; 177,903 homozygotes.

Submission:

PreventionGenetics, part of Exact Sciences
Classification: Benign for ANKK1-related condition. Last evaluated: 2019-10-17. Review status: no assertion criteria provided. Collection method: clinical testing. Allele origin: germline.
Comment: This variant is classified as benign based on ACMG/AMP sequence variant interpretation guidelines (Richards et al. 2015 PMID: 25741868, with internal and published modifications).

NM_178510.2(ANKK1):c.1469A>G (p.His490Arg)

Gene: ANKK1 (ankyrin repeat and kinase domain containing 1; plus strand). Cytogenetic location: 11q23.2.
Variant type: single nucleotide variant.
Coding change: c.1469A>G on transcript NM_178510.2 (MANE Select); coding-DNA position 1469, A replaced by G.
Protein change: p.His490Arg; replaces histidine 490 with arginine.
Molecular consequence: missense variant.
Genome position (GRCh38, 1-based): chr11:113,399,438, A>G. VCF-style: chr11-113399438-A-G. GRCh37 (hg19) VCF-style: chr11-113270160-A-G.
Other names: short protein forms H490R.
Identifiers: ClinVar variation 3060675 (VCV003060675.2), dbSNP rs2734849, ClinGen allele CA6280949.
Genomic context (GRCh38, chr11:113,399,438, plus strand): 5'-AGAATAACTTTGAGAATGTGGCACGGCTTCTGGTCTCCCGTCAGGCTGACCCCAACCTGC[A>G]TGAGGCTGAGGGCAAGACCCCCCTCCATGTGGCCGCCTACTTTGGCCATGTTAGCCTGGT-3'
Protein context (NP_848605.1, residues 480-500): LVSRQADPNL[His490Arg]EAEGKTPLHV